The following is an entry in ClinVar:

NM_053013.4(ENO3):c.806G>A (p.Arg269Gln)

Gene: ENO3 (enolase 3; plus strand). Cytogenetic location: 17p13.2.
Variant type: single nucleotide variant.
Coding change: c.806G>A on transcript NM_053013.4 (MANE Select); coding-DNA position 806, G replaced by A.
Protein change: p.Arg269Gln; replaces arginine 269 with glutamine.
Molecular consequence: missense variant.
Genome position (GRCh38, 1-based): chr17:4,955,545, G>A. VCF-style: chr17-4955545-G-A. GRCh37 (hg19) VCF-style: chr17-4858840-G-A.
Other names: c.677G>A, p.Arg226Gln (NM_001193503.2); c.806G>A, p.Arg269Gln (NM_001374523.1, NM_001976.5); c.833G>A, p.Arg278Gln (NM_001374524.1); c.806G>A (NM_053013.3); short protein forms R226Q, R269Q, R278Q.
Identifiers: ClinVar variation 1382025 (VCV001382025.8), dbSNP rs754758809, ClinGen allele CA8316439.

ClinVar aggregate classification (germline): Uncertain significance. Review status: criteria provided, multiple submitters, no conflicts (2 of 4 stars). 2 submissions from 2 submitters: Uncertain significance (2). Last evaluated 2024-10-16.

Conditions:
Inborn genetic diseases. Identifiers: MedGen C0950123, MeSH D030342.
Glycogen storage disease due to muscle beta-enolase deficiency (GSD13). Also called: ENOLASE 3 DEFICIENCY; ENOLASE-BETA DEFICIENCY; GSD XIII; Glycogen Storage Disease Type XIII. Identifiers: Orphanet 99849, MedGen C2752027, MONDO:0013046, OMIM 612932.

Allele frequency attached by ClinVar (database versions not stated): gnomAD exomes 0.00001 and 0.00004; ExAC 0.00002; TOPMed 0.00002; gnomAD 0.00003 and 0.00004.
gnomAD v4.1: 26 of 1,614,088 alleles (0.0016%); highest among the groups gnomAD compares: Admixed American, 0.015%; no homozygotes.

Submissions (2):

Labcorp Genetics (formerly Invitae), Labcorp
Classification: Uncertain significance for Glycogen storage disease due to muscle beta-enolase deficiency. Last evaluated: 2024-10-16. Review status: criteria provided, single submitter. Criteria: Invitae Variant Classification Sherloc (09022015). Collection method: clinical testing. Allele origin: germline.
Comment: This sequence change replaces arginine, which is basic and polar, with glutamine, which is neutral and polar, at codon 269 of the ENO3 protein (p.Arg269Gln). This variant is present in population databases (rs754758809, gnomAD 0.02%). This variant has not been reported in the literature in individuals affected with ENO3-related conditions. ClinVar contains an entry for this variant (Variation ID: 1382025). Invitae Evidence Modeling of protein sequence and biophysical properties (such as structural, functional, and spatial information, amino acid conservation, physicochemical variation, residue mobility, and thermodynamic stability) indicates that this missense variant is not expected to disrupt ENO3 protein function with a negative predictive value of 80%. In summary, the available evidence is currently insufficient to determine the role of this variant in disease. Therefore, it has been classified as a Variant of Uncertain Significance.

Ambry Genetics
Classification: Uncertain significance for Inborn genetic diseases. Last evaluated: 2023-12-13. Review status: criteria provided, single submitter. Criteria: Ambry Variant Classification Scheme 2023. Collection method: clinical testing. Allele origin: germline.